The following is an entry in ClinVar:

ClinVar aggregate classification (germline): Uncertain significance (1 of 4 stars; one submission).

Conditions:
WFS1-related disorder. Identifiers: MedGen CN379391, MONDO:0700293.

Submission:

PreventionGenetics, part of Exact Sciences
Classification: Uncertain significance for WFS1-related condition. Last evaluated: 2023-04-10. Review status: criteria provided, single submitter. Criteria: ACMG Guidelines, 2015. Collection method: clinical testing. Allele origin: germline.
Comment: The WFS1 c.973A>G variant is predicted to result in the amino acid substitution p.Asn325Asp. To our knowledge, this variant has not been reported in the literature or in a large population database, indicating this variant is rare. At this time, the clinical significance of this variant is uncertain due to the absence of conclusive functional and genetic evidence.

NM_006005.3(WFS1):c.973A>G (p.Asn325Asp)

Gene: WFS1 (wolframin ER transmembrane glycoprotein; plus strand). Cytogenetic location: 4p16.1.
Variant type: single nucleotide variant.
Coding change: c.973A>G on transcript NM_006005.3 (MANE Select); coding-DNA position 973, A replaced by G.
Protein change: p.Asn325Asp; replaces asparagine 325 with aspartic acid.
Molecular consequence: missense variant.
Genome position (GRCh38, 1-based): chr4:6,300,768, A>G. VCF-style: chr4-6300768-A-G. GRCh37 (hg19) VCF-style: chr4-6302495-A-G.
Other names: c.973A>G, p.Asn325Asp (NM_001145853.1); short protein forms N325D.
Identifiers: ClinVar variation 2635787 (VCV002635787.1), dbSNP rs2474192210, ClinGen allele CA356173992.
Genomic context (GRCh38, chr4:6,300,768, plus strand): 5'-GACATGGCCTCCAGGGCAGGCATGCACTGGCTGTCCACCATCATCCCCACGCACCACATC[A>G]ACGCGCTCATCTTCTTCTTCATCGTCAGCAACCTCACCATCGACTTCTTCGCCTTCTTCA-3'
Protein context (NP_005996.2, residues 315-335): LSTIIPTHHI[Asn325Asp]ALIFFFIVSN